The following is an entry in ClinVar:

ClinVar aggregate classification (germline): Uncertain significance (1 of 4 stars; one submission).

Conditions:
Neurofibromatosis, type 1 (NF1). Also called: VON RECKLINGHAUSEN DISEASE; Peripheral type neurofibromatosis; NEUROFIBROMATOSIS, TYPE I, SOMATIC; Neurofibromatosis, type I. Identifiers: Orphanet 636, MedGen C0027831, MONDO:0018975, OMIM 162200. Disease mechanism: loss of function.

Submission:

Labcorp Genetics (formerly Invitae), Labcorp
Classification: Uncertain significance for Neurofibromatosis, type 1. Last evaluated: 2024-05-15. Review status: criteria provided, single submitter. Criteria: Invitae Variant Classification Sherloc (09022015). Collection method: clinical testing. Allele origin: germline.
Comment: This sequence change replaces serine, which is neutral and polar, with isoleucine, which is neutral and non-polar, at codon 674 of the NF1 protein (p.Ser674Ile). This variant is not present in population databases (gnomAD no frequency). This variant has not been reported in the literature in individuals affected with NF1-related conditions. Advanced modeling of protein sequence and biophysical properties (such as structural, functional, and spatial information, amino acid conservation, physicochemical variation, residue mobility, and thermodynamic stability) has been performed at Invitae for this missense variant, however the output from this modeling did not meet the statistical confidence thresholds required to predict the impact of this variant on NF1 protein function. In summary, the available evidence is currently insufficient to determine the role of this variant in disease. Therefore, it has been classified as a Variant of Uncertain Significance.

NM_001042492.3(NF1):c.2021G>T (p.Ser674Ile)

Gene: NF1 (neurofibromin 1; plus strand). Cytogenetic location: 17q11.2.
Variant type: single nucleotide variant.
Coding change: c.2021G>T on transcript NM_001042492.3 (MANE Select); coding-DNA position 2021, G replaced by T.
Protein change: p.Ser674Ile; replaces serine 674 with isoleucine.
Molecular consequence: missense variant.
Genome position (GRCh38, 1-based): chr17:31,226,454, G>T. VCF-style: chr17-31226454-G-T. GRCh37 (hg19) VCF-style: chr17-29553472-G-T.
Other names: c.2021G>T, p.Ser674Ile (NM_000267.4); short protein forms S674I.
Identifiers: ClinVar variation 3634506 (VCV003634506.2).
Genomic context (GRCh38, chr17:31,226,454, plus strand): 5'-ACCCAAGTTGCAAATATATGTCTTCCACCCTTGACTCTCAGGATAGTGCAGCAGGATGCA[G>T]CGGAACCCCCCCGATTTGCCGACAAGCCCAGACCAAACTAGAAGTGGCCCTGTACATGTT-3'
Protein context (NP_001035957.1, residues 664-684): NSSMDSAAGC[Ser674Ile]GTPPICRQAQ